The following is an entry in ClinVar:

ClinVar aggregate classification (germline): Pathogenic (1 of 4 stars; one submission).

Conditions:
Peroxisome biogenesis disorder, complementation group K (CGK). Identifiers: MedGen C1866257, MONDO:0800365.

Submission:

Labcorp Genetics (formerly Invitae), Labcorp
Classification: Pathogenic for Peroxisome biogenesis disorder, complementation group K. Last evaluated: 2023-10-13. Review status: criteria provided, single submitter. Criteria: Invitae Variant Classification Sherloc (09022015). Collection method: clinical testing. Allele origin: germline.
Comment: This variant is a gross deletion of the genomic region encompassing exon(s) 1-3 of the PEX14 gene, which includes the initiator codon. This deletion extends beyond the assayed region for this gene and therefore may encompass additional genes. It is expected to result in an absent or disrupted protein product. Loss-of-function variants in PEX14 are known to be pathogenic (PMID: 15146459, 18285423, 26627464). This variant has not been reported in the literature in individuals affected with PEX14-related conditions. For these reasons, this variant has been classified as Pathogenic.

Literature cited by the submitters: PubMed 15146459; PubMed 18285423; PubMed 26627464.

NC_000001.10:g.(?_10535024)_(10596374_?)del

Gene: PEX14 (peroxisomal biogenesis factor 14; plus strand). Cytogenetic location: 1p36.22.
Variant type: Deletion.
Identifiers: ClinVar variation 1453475 (VCV001453475.4).